The following is an entry in ClinVar:

NM_001659.3(ARF3):c.200A>T (p.Asp67Val)

Gene: ARF3 (ARF GTPase 3; minus strand). Cytogenetic location: 12q13.12.
Variant type: single nucleotide variant.
Coding change: c.200A>T on transcript NM_001659.3 (MANE Select); coding-DNA position 200, A replaced by T.
Protein change: p.Asp67Val; replaces aspartic acid 67 with valine.
Molecular consequence: missense variant.
Genome position (GRCh38, 1-based): chr12:48,940,056, T>A on the plus strand (A>T on the coding strand, the complement: ARF3 is on the minus strand). VCF-style: chr12-48940056-T-A. GRCh37 (hg19) VCF-style: chr12-49333839-T-A.
Other names: c.200A>T (NM_001659.2); short protein forms D67V.
Identifiers: ClinVar variation 1697211 (VCV001697211.3), dbSNP rs2498894678, ClinGen allele CA384658976.
Genomic context (GRCh38, chr12:48,940,056, plus strand): 5'-CCTTGGGTGTTCTGGAAGTAGTGTCTCCAGAGGGGTCGAATCTTGTCCTGGCCACCCACA[T>A]CCCACACTGTAAAGCTGATGTTCTTATACTCCACTGTCTCCACATTGAACCCTTTGGAAA-3'
Protein context (NP_001650.1, residues 57-77): EYKNISFTVW[Asp67Val]VGGQDKIRPL

ClinVar aggregate classification (germline): Pathogenic. Review status: criteria provided, multiple submitters, no conflicts (2 of 4 stars). 2 submissions from 2 submitters: Pathogenic (2). Last evaluated 2026-03-31.

Conditions:
Scoliosis. Identifiers: MedGen C0036439, MONDO:0005392, HP:0002650.
Microcephaly. Also called: Microcephaly (disease). Identifiers: MedGen C4551563, MONDO:0001149, HP:0000252.
Dystonic disorder. Also called: Dystonia. Identifiers: MedGen C0013421, MONDO:0003441, HP:0001332.
Intellectual disability. Also called: Intellectual functioning disability; intellectual disabilities; Intellectual developmental disorder. Identifiers: MedGen C3714756, MeSH D008607, MONDO:0001071, HP:0001249.
Atrophy/Degeneration affecting the central nervous system. Identifiers: MedGen C4024899, HP:0007367.

Submissions (2):

GeneDx
Classification: Pathogenic. Last evaluated: 2026-03-31. Review status: criteria provided, single submitter. Criteria: GeneDx Variant Classification Process June 2021. Collection method: clinical testing. Allele origin: germline.
Comment: Not observed at significant frequency in large population cohorts (gnomAD); In silico analysis supports that this missense variant has a deleterious effect on protein structure/function; This variant is associated with the following publications: (PMID: 34346499, 36369169, 38712921)

Tartaglia Lab, Genetics and Rare Diseases Research Division, Bambino Gesu' Children's Hospital
Classification: Pathogenic for Microcephaly; Intellectual disability; Dystonic disorder; Atrophy/Degeneration affecting the central nervous system; Scoliosis. Review status: criteria provided, single submitter. Criteria: ACMG Guidelines, 2015. Collection method: research. Allele origin: de novo. Affected: yes.